The following is an entry in ClinVar:

ClinVar aggregate classification (germline): Pathogenic. Review status: criteria provided, multiple submitters, no conflicts (2 of 4 stars). 2 submissions from 2 submitters: Pathogenic (2). Last evaluated 2025-07-16.

Conditions:
Osteogenesis imperfecta with normal sclerae, dominant form (OI4). Also called: Common Variable Osteogenesis Imperfecta with Normal Sclerae; OSTEOGENESIS IMPERFECTA, TYPE IV, WITH DENTINOGENESIS IMPERFECTA; Osteogenesis Imperfecta Type IV; OSTEOGENESIS IMPERFECTA WITH NORMAL SCLERAE; Osteogenesis imperfecta type 4. Identifiers: Orphanet 216820, Orphanet 666, MedGen C0268363, MONDO:0008148, OMIM 166220.

Submissions (2):

Clinical Biomedical Laboratory, Shriners Hospital For Children - Canada
Classification: Pathogenic for Osteogenesis imperfecta with normal sclerae, dominant form. Last evaluated: 2025-07-16. Review status: criteria provided, single submitter. Criteria: ACMG Guidelines, 2015. Collection method: clinical testing. Allele origin: germline. Affected: yes.
Comment: This variant is predicted to substitute a glycine residue by a cysteine residue in the alpha 2 chain of collagen type I. Glycine substitutions in the triple helical domain of collagen type I cause disruption in the formation of the triple helix in the collagen molecule and are a typical cause of osteogenesis imperfecta. This variant is absent from the Genome Aggregation Database v.2.1.1, indicating it is very rare. This specific variant is not reported in ClinVar, but a missense variant affecting the same amino acid residue (c.577G>A; p.Gly193Ser) has been reported in Clinvar (Variation ID: 265387) as pathogenic from 5 submitters. We have observed this variant in two unrelated individuals with a diagnosis of osteogenesis imperfecta. Prediction tools (REVEL: 0.98) suggest that the change is detrimental to protein function.

Revvity Omics, Revvity
Classification: Pathogenic. Last evaluated: 2024-01-19. Review status: criteria provided, single submitter. Criteria: ACMG Guidelines, 2015. Collection method: clinical testing. Allele origin: germline.

NM_000089.4(COL1A2):c.577G>T (p.Gly193Cys)

Gene: COL1A2 (collagen type I alpha 2 chain; plus strand). Cytogenetic location: 7q21.3.
Variant type: single nucleotide variant.
Coding change: c.577G>T on transcript NM_000089.4 (MANE Select); coding-DNA position 577, G replaced by T.
Protein change: p.Gly193Cys; replaces glycine 193 with cysteine.
Molecular consequence: missense variant.
Genome position (GRCh38, 1-based): chr7:94,406,286, G>T. VCF-style: chr7-94406286-G-T. GRCh37 (hg19) VCF-style: chr7-94035598-G-T.
Other names: short protein forms G193C.
Identifiers: ClinVar variation 4075358 (VCV004075358.2).